The following is an entry in ClinVar:

ClinVar aggregate classification (germline): Pathogenic (1 of 4 stars; one submission).

Conditions:
Joubert syndrome 3 (JBTS3). Also called: AHI1-related Ciliopathy. Identifiers: Orphanet 220493, MedGen C1837713, MONDO:0012078, OMIM 608629.

Submission:

Myriad Genetics, Inc.
Classification: Pathogenic for Joubert syndrome 3. Last evaluated: 2025-10-12. Review status: criteria provided, single submitter. Criteria: Myriad Autosomal Dominant, Autosomal Recessive and X-Linked Classification Criteria (2023). Collection method: clinical testing. Allele origin: unknown.
Comment: NM_001134831.1(AHI1):c.1593C>G(Y531*) is expected to be pathogenic in the context of Joubert syndrome, AHI1-related. This variant is predicted to lead to an abnormal or absent protein product due to the creation of a premature termination codon in AHI1, a gene where loss-of-function variants are known to be pathogenic. Please note: this variant was assessed in the context of healthy population screening.

NM_001134831.2(AHI1):c.1593C>G (p.Tyr531Ter)

Gene: AHI1 (Abelson helper integration site 1; minus strand). Cytogenetic location: 6q23.3.
Variant type: single nucleotide variant.
Coding change: c.1593C>G on transcript NM_001134831.2 (MANE Select); coding-DNA position 1593, C replaced by G.
Protein change: p.Tyr531Ter; replaces tyrosine 531 with a stop codon.
Molecular consequence: nonsense.
Genome position (GRCh38, 1-based): chr6:135,448,323, G>C on the plus strand (C>G on the coding strand, the complement: AHI1 is on the minus strand). VCF-style: chr6-135448323-G-C. GRCh37 (hg19) VCF-style: chr6-135769461-G-C.
Other names: c.1593C>G, p.Tyr531Ter (NM_001134830.2, NM_001134832.2, NM_001350503.2 and 2 more transcripts); short protein forms Y531*.
Identifiers: ClinVar variation 5015082 (VCV005015082.1).